The following is an entry in ClinVar:

ClinVar aggregate classification (germline): Likely pathogenic. Review status: criteria provided, multiple submitters, no conflicts (2 of 4 stars). 2 submissions from 2 submitters: Likely pathogenic (2). Last evaluated 2025-03-18.

Conditions:
Intellectual developmental disorder, autosomal dominant 55, with seizures. Also called: MENTAL RETARDATION, AUTOSOMAL DOMINANT 55, WITH SEIZURES; Intellectual disability, autosomal dominant 55, with seizures. Identifiers: MedGen C4693371, MONDO:0030921, OMIM 617831.

Submissions (2):

Variantyx, Inc.
Classification: Likely pathogenic for Intellectual developmental disorder, autosomal dominant 55, with seizures. Last evaluated: 2025-03-18. Review status: criteria provided, single submitter. Criteria: Variantyx Assertion Criteria 2022. Collection method: clinical testing. Allele origin: germline. Affected: yes.
Comment: This is a frameshift variant in the NUS1 gene (OMIM: 610463). Pathogenic variants in this gene have been associated with autosomal dominant intellectual developmental disorder with seizures 55. This variant introduces a premature termination codon in exon 1 out of 5. It is expected to result in loss of function, which is a known disease mechanism for NUS1 in this disorder (PMID: 29100083, 33731878, 31656175) (PVS1). This variant is absent from control populations (PM2_Supporting). Based on the current evidence, this variant is classified as likely pathogenic for autosomal dominant intellectual developmental disorder with seizures 55.

MGZ Medical Genetics Center
Classification: Likely pathogenic for Intellectual developmental disorder, autosomal dominant 55, with seizures. Last evaluated: 2022-08-08. Review status: criteria provided, single submitter. Criteria: ACMG Guidelines, 2015. Collection method: clinical testing. Allele origin: germline. Affected: yes. Observed: 1 variant allele.
Comment: ACMG criteria applied: PVS1, PM2_SUP

NM_138459.5(NUS1):c.220_244del (p.Gly74fs)

Gene: NUS1 (NUS1 dehydrodolichyl diphosphate synthase subunit; plus strand). Cytogenetic location: 6q22.1.
Variant type: Deletion.
Coding change: c.220_244del on transcript NM_138459.5 (MANE Select); coding-DNA positions 220 to 244, 25 bases deleted (GGGGGGTCGTGCCTGGCAGCCGCAC).
Protein change: p.Gly74fs; shifts the reading frame from glycine 74.
Molecular consequence: frameshift variant.
Genome position (GRCh38, 1-based): chr6:117,675,890-117,675,914, GGGGGGTCGTGCCTGGCAGCCGCAC deleted; deleting any 25 consecutive bases within chr6:117,675,889-117,675,914 gives the same sequence; the c. name uses the placement nearest the transcript's 3' end. VCF-style (leftmost placement, unchanged base first): chr6-117675888-GCGGGGGGTCGTGCCTGGCAGCCGCA-G. GRCh37 (hg19) VCF-style: chr6-117997051-GCGGGGGGTCGTGCCTGGCAGCCGCA-G.
Other names: short protein forms G74fs.
Identifiers: ClinVar variation 1709668 (VCV001709668.3), dbSNP rs2481983096, ClinGen allele CA2580074826.
Genomic context (GRCh38, chr6:117,675,888, plus strand): 5'-GCTTCACGCTCCGCAAGCCCCCGGCAGTCGGCAGGAACCGCCGTCACCACCGGCACCCGC[GCGGGGGGTCGTGCCTGGCAGCCGCA>G]CACCACCGGATGCGCTGGCGCGCGGACGGTCGTTCCTTGGAGAAGCTGCCTGTGCATATG-3'